The following is an entry in ClinVar:

NM_000051.4(ATM):c.6808-6T>C

Genes: ATM (ATM serine/threonine kinase; plus strand), C11orf65 (chromosome 11 open reading frame 65; minus strand). Cytogenetic location: 11q22.3.
Variant type: single nucleotide variant.
Coding change: c.6808-6T>C on transcript NM_000051.4 (MANE Select); 6 bases into the intron before coding-DNA position 6808, T replaced by C.
Molecular consequence: intron variant.
Genome position (GRCh38, 1-based): chr11:108,326,052, T>C. VCF-style: chr11-108326052-T-C. GRCh37 (hg19) VCF-style: chr11-108196779-T-C.
Other names: c.6808-6T>C (NM_001351834.2); c.641-16981A>G (NM_001330368.2); c.*38+9168A>G (NM_001351110.2).
Identifiers: ClinVar variation 490674 (VCV000490674.8), dbSNP rs995574419, ClinGen allele CA228412512.
Genomic context (GRCh38, chr11:108,326,052, plus strand): 5'-ATTATTATTCATGGTAGTAGTATCAGTAGTAAAAGTATTTATTCCCATATGTCATTTTCA[T>C]TTCAGCTCCCTGAAAGGGCAATATTTCAAATTAAACAGTACAATTCAGTTAGCTGTGGAG-3'

ClinVar aggregate classification (germline): Conflicting classifications of pathogenicity. Review status: criteria provided, conflicting classifications (1 of 4 stars). 3 submissions from 3 submitters: Uncertain significance (2); Likely benign (1). Last evaluated 2025-07-22.

Conditions:
Hereditary cancer-predisposing syndrome. Also called: Neoplastic Syndromes, Hereditary; Hereditary Cancer Syndrome; Tumor predisposition; Hereditary neoplastic syndrome. Identifiers: Orphanet 140162, MedGen C0027672, MeSH D009386, MONDO:0015356.
Familial cancer of breast. Also called: Hereditary breast cancer; BREAST CANCER, FAMILIAL; hereditary breast carcinoma. Identifiers: Orphanet 227535, MedGen C0346153, MONDO:0016419, OMIM 114480. Disease mechanism: loss of function.

Submissions (3):

Color Diagnostics, LLC DBA Color Health
Classification: Uncertain significance for Hereditary cancer-predisposing syndrome. Last evaluated: 2025-07-22. Review status: criteria provided, single submitter. Criteria: ACMG Guidelines, 2015. Collection method: clinical testing. Allele origin: germline.
Comment: This variant causes a T to C nucleotide substitution at the -6 position of intron 46 of the ATM gene. To our knowledge, functional studies have not been reported for this variant. This variant has not been reported in individuals affected with ATM-related disorders in the literature. This variant has not been identified in the general population by the Genome Aggregation Database (gnomAD). The available evidence is insufficient to determine the role of this variant in disease conclusively. Therefore, this variant is classified as a Variant of Uncertain Significance.

GeneDx
Classification: Uncertain significance. Last evaluated: 2024-10-01. Review status: criteria provided, single submitter. Criteria: GeneDx Variant Classification Process June 2021. Collection method: clinical testing. Allele origin: germline. Affected: yes.
Comment: Not observed at significant frequency in large population cohorts (gnomAD); In silico analysis supports a deleterious effect on splicing; Has not been previously published as pathogenic or benign to our knowledge

Myriad Genetics, Inc.
Classification: Likely benign for Familial cancer of breast. Last evaluated: 2024-06-12. Review status: criteria provided, single submitter. Criteria: Myriad Autosomal Dominant, Autosomal Recessive and X-Linked Classification Criteria (2023). Collection method: clinical testing. Allele origin: unknown.
Comment: This variant is considered likely benign. This variant is intronic and is not expected to impact mRNA splicing.